The following is an entry in ClinVar:

NM_001374385.1(ATP8B1):c.2097+89T>C

Genes: ATP8B1 (ATPase phospholipid transporting 8B1; minus strand), ATP8B1-AS1 (ATP8B1 antisense RNA 1; plus strand). Cytogenetic location: 18q21.31.
Variant type: single nucleotide variant.
Coding change: c.2097+89T>C on transcript NM_001374385.1 (MANE Select); 89 bases into the intron after coding-DNA position 2097, T replaced by C.
Molecular consequence: intron variant. On other transcripts: non-coding transcript variant (1).
Genome position (GRCh38, 1-based): chr18:57,669,229, A>G on the plus strand (T>C on the coding strand, the complement: ATP8B1 is on the minus strand). VCF-style: chr18-57669229-A-G. GRCh37 (hg19) VCF-style: chr18-55336461-A-G.
Other names: c.2097+89T>C (NM_005603.6); c.1947+89T>C (NM_001374386.1).
Identifiers: ClinVar variation 1263538 (VCV001263538.4), dbSNP rs58094309, ClinGen allele CA300884580.
Genomic context (GRCh38, chr18:57,669,229, plus strand): 5'-AAAGAAATAACCTTCTTCCATTGTGCCAGTGTCAAATGCTGAAGTTACAATTATCTCTTA[A>G]GCATGAGATCAAATATTCAATAAAACTTAATAAAAATTTCAATTCTGCTTAGAATATCAA-3'

ClinVar aggregate classification (germline): Benign. Review status: criteria provided, multiple submitters, no conflicts (2 of 4 stars). 3 submissions from 3 submitters: Benign (3). Last evaluated 2026-04-14.

Conditions:
Familial intrahepatic cholestasis. Identifiers: Orphanet 284385, MedGen CN296401, MONDO:0017290.

Allele frequency attached by ClinVar (database versions not stated): gnomAD 0.06132 and 0.06149; TOPMed 0.06332; 1000 Genomes Project 30x 0.09744; 1000 Genomes Project 0.09984.
gnomAD v4.1: 51,200 of 1,326,986 alleles (3.9%); highest among the groups gnomAD compares: East Asian, 18%; 1,904 homozygotes.

Submissions (3):

Genomenon, Inc
Classification: Benign for Familial intrahepatic cholestasis. Last evaluated: 2026-04-14. Review status: criteria provided, single submitter. Criteria: Genomenon Sequence Variant Interpretation Standards - Updated. Collection method: curation. Allele origin: germline. Affected: no.
Comment: ATP8B1 c.2097+89T>C is an intronic variant located in intron 18. This variant is present at high allele frequency in population databases. In conclusion, we classify ATP8B1 c.2097+89T>C as a benign variant.

GeneDx
Classification: Benign. Last evaluated: 2018-06-23. Review status: criteria provided, single submitter. Criteria: GeneDx Variant Classification Process June 2021. Collection method: clinical testing. Allele origin: germline. Affected: yes.

Breakthrough Genomics
Classification: Benign. Review status: criteria provided, single submitter. Criteria: ACMG Guidelines, 2015. Collection method: not provided. Allele origin: germline. Inheritance: Autosomal recessive inheritance. Affected: yes.